The following is an entry in ClinVar:

ClinVar aggregate classification (germline): Pathogenic (1 of 4 stars; one submission).

Submission:

GeneDx
Classification: Pathogenic. Last evaluated: 2022-11-14. Review status: criteria provided, single submitter. Criteria: GeneDx Variant Classification Process June 2021. Collection method: clinical testing. Allele origin: germline. Affected: yes.
Comment: Frameshift variant predicted to result in protein truncation or nonsense mediated decay in a gene for which loss of function is a known mechanism of disease; Not observed at significant frequency in large population cohorts (gnomAD); Has not been previously published as pathogenic or benign to our knowledge

NM_016729.3(FOLR1):c.227del (p.Lys76fs)

Genes: FOLR1 (folate receptor alpha; plus strand), FOLR1-AS1 (FOLR1 antisense RNA 1; minus strand). Cytogenetic location: 11q13.4.
Variant type: Deletion.
Coding change: c.227del on transcript NM_016729.3 (MANE Select); coding-DNA position 227, one base deleted (A; older notation c.227delA).
Protein change: p.Lys76fs; shifts the reading frame from lysine 76.
Molecular consequence: frameshift variant.
Genome position (GRCh38, 1-based): chr11:72,195,329, A deleted; the last of 2 consecutive A bases (chr11:72,195,328-72,195,329); deleting either gives the same sequence. VCF-style (leftmost placement, unchanged base first): chr11-72195327-TA-T. GRCh37 (hg19) VCF-style: chr11-71906371-TA-T.
Other names: c.227del, p.Lys76fs (NM_000802.3, NM_016724.3, NM_016725.3); c.227delA, p.Lys76Argfs (NM_016731.2); short protein forms K76fs.
Identifiers: ClinVar variation 2501867 (VCV002501867.1), dbSNP rs1948212796, ClinGen allele CA939437385.